The following is an entry in ClinVar:

ClinVar aggregate classification (germline): Pathogenic (1 of 4 stars; one submission).

Conditions:
Acute infantile liver failure due to synthesis defect of mtDNA-encoded proteins. Also called: Liver failure acute infantile; LIVER FAILURE, INFANTILE, TRANSIENT; TRMU Deficiency. Identifiers: Orphanet 217371, MedGen C3278664, MONDO:0013111, OMIM 613070.

Submission:

Myriad Genetics, Inc.
Classification: Pathogenic for Acute infantile liver failure due to synthesis defect of mtDNA-encoded proteins. Last evaluated: 2023-08-08. Review status: criteria provided, single submitter. Criteria: Myriad Autosomal Dominant, Autosomal Recessive and X-Linked Classification Criteria (2023). Collection method: clinical testing. Allele origin: unknown.
Comment: NM_018006.4(TRMU):c.834C>A(Y278*) is expected to be pathogenic in the context of acute liver failure, TRMU-related. This variant is predicted to lead to an abnormal or absent protein product due to the creation of a premature termination codon in TRMU, a gene where loss-of-function variants are known to be pathogenic. Please note: this variant was assessed in the context of healthy population screening.

NM_018006.5(TRMU):c.834C>A (p.Tyr278Ter)

Gene: TRMU (tRNA mitochondrial 2-thiouridylase; plus strand). Cytogenetic location: 22q13.31.
Variant type: single nucleotide variant.
Coding change: c.834C>A on transcript NM_018006.5 (MANE Select); coding-DNA position 834, C replaced by A.
Protein change: p.Tyr278Ter; replaces tyrosine 278 with a stop codon.
Molecular consequence: nonsense. On other transcripts: non-coding transcript variant (2).
Genome position (GRCh38, 1-based): chr22:46,353,828, C>A. VCF-style: chr22-46353828-C-A. GRCh37 (hg19) VCF-style: chr22-46749725-C-A.
Other names: c.492C>A, p.Tyr164Ter (NM_001282782.2); c.414C>A, p.Tyr138Ter (NM_001282783.2, NM_001282784.2); c.834C>A, p.Tyr278Ter (NM_001282785.2); short protein forms Y138*, Y164*, Y278*.
Identifiers: ClinVar variation 5011270 (VCV005011270.1).